The following is an entry in ClinVar:

NM_152263.4(TPM3):c.642+3A>G

Gene: TPM3 (tropomyosin 3; minus strand). Cytogenetic location: 1q21.3.
Variant type: single nucleotide variant.
Coding change: c.642+3A>G on transcript NM_152263.4 (MANE Select); 3 bases into the intron after coding-DNA position 642, A replaced by G.
Molecular consequence: intron variant.
Genome position (GRCh38, 1-based): chr1:154,171,410, T>C on the plus strand (A>G on the coding strand, the complement: TPM3 is on the minus strand). VCF-style: chr1-154171410-T-C. GRCh37 (hg19) VCF-style: chr1-154143886-T-C.
Other names: c.642+619A>G (NM_001364680.2, NM_001364682.1); c.333+619A>G (NM_001278188.2); c.531+3A>G (NM_001043351.2, NM_001043353.2, NM_001349679.2); c.531+619A>G (NM_001278190.2, NM_153649.4, NM_001043352.2 and 2 more transcripts); c.261+3A>G (NM_001278191.2); c.642+3A>G (NM_001364679.2, NM_001364681.2).
Identifiers: ClinVar variation 4785718 (VCV004785718.1).

ClinVar aggregate classification (germline): Uncertain significance (1 of 4 stars; one submission).

Conditions:
Congenital myopathy with fiber type disproportion. Also called: Congenital fiber-type disproportion; Congenital fiber-type disproportion myopathy. Identifiers: Orphanet 2020, MedGen C0546264, MONDO:0009711. Inheritance: all.
Congenital myopathy 4B, autosomal recessive. Also called: Nemaline myopathy 1, autosomal dominant or recessive. Identifiers: Orphanet 171433, Orphanet 171439, Orphanet 171881, MedGen C5829889, MONDO:0012239, OMIM 609284.

Submission:

Labcorp Genetics (formerly Invitae), Labcorp
Classification: Uncertain significance for Congenital myopathy with fiber type disproportion; Congenital myopathy 4B, autosomal recessive. Last evaluated: 2025-07-29. Review status: criteria provided, single submitter. Criteria: Invitae Variant Classification Sherloc (09022015). Collection method: clinical testing. Allele origin: germline.
Comment: This sequence change falls in intron 6 of the TPM3 gene. It does not directly change the encoded amino acid sequence of the TPM3 protein. It affects a nucleotide within the consensus splice site. This variant is not present in population databases (gnomAD no frequency). This variant has not been reported in the literature in individuals affected with TPM3-related conditions. Variants that disrupt the consensus splice site are a relatively common cause of aberrant splicing (PMID: 17576681, 9536098). Algorithms developed to predict the effect of sequence changes on RNA splicing suggest that this variant may disrupt the consensus splice site. In summary, the available evidence is currently insufficient to determine the role of this variant in disease. Therefore, it has been classified as a Variant of Uncertain Significance.

Literature cited by the submitters: PubMed 17576681; PubMed 9536098.